The following is an entry in ClinVar:

ClinVar aggregate classification (germline): Benign/Likely benign. Review status: criteria provided, multiple submitters, no conflicts (2 of 4 stars). 5 submissions from 4 submitters: Benign (1); Likely benign (4). Last evaluated 2024-05-23.

Conditions:
Inborn genetic diseases. Identifiers: MedGen C0950123, MeSH D030342.
Neuronopathy, distal hereditary motor, type 7B. Also called: Distal Hereditary Motor Neuronopathy Type 7B (dHMN7B); HMN VIIB; LOWER MOTOR NEURON DISEASE, DYNACTIN TYPE; NEURONOPATHY, DISTAL HEREDITARY MOTOR, AUTOSOMAL DOMINANT 14; NEURONOPATHY, DISTAL HEREDITARY MOTOR, HARDING TYPE VIIB; NEUROPATHY, DISTAL HEREDITARY MOTOR, HARDING TYPE VIIB. Identifiers: Orphanet 139589, MedGen C1843315, MONDO:0011879, OMIM 607641.
Perry syndrome. Also called: PARKINSONISM WITH ALVEOLAR HYPOVENTILATION AND MENTAL DEPRESSION. Identifiers: Orphanet 178509, MedGen C1868594, MONDO:0008201, OMIM 168605.
Amyotrophic lateral sclerosis type 1 (ALS1). Also called: AMYOTROPHIC LATERAL SCLEROSIS 1, FAMILIAL. Identifiers: Orphanet 803, MedGen C1862939, MONDO:0007103, OMIM 105400.

Allele frequency attached by ClinVar (database versions not stated): gnomAD 0.00001; gnomAD exomes 0.00001 and 0.00002; ExAC 0.00002; TOPMed 0.00002.
gnomAD v4.1: 14 of 1,613,210 alleles (0.00087%); highest among the groups gnomAD compares: South Asian, 0.0066%; 1 homozygote.

Submissions (5):

Labcorp Genetics (formerly Invitae), Labcorp
Classification: Likely benign for Amyotrophic lateral sclerosis type 1; Neuronopathy, distal hereditary motor, type 7B; Perry syndrome. Last evaluated: 2024-05-23. Review status: criteria provided, single submitter. Criteria: Invitae Variant Classification Sherloc (09022015). Collection method: clinical testing. Allele origin: germline.

CeGaT Center for Human Genetics Tuebingen
Classification: Likely benign. Last evaluated: 2024-03-01. Review status: criteria provided, single submitter. Criteria: CeGaT Center For Human Genetics Tuebingen Variant Classification Criteria Version 2. Collection method: clinical testing. Allele origin: germline. Affected: yes. Observed: 1 variant allele.
Comment: DCTN1: BP4, BP7

Ambry Genetics
Classification: Likely benign for Inborn genetic diseases. Last evaluated: 2019-07-11. Review status: criteria provided, single submitter. Criteria: Ambry Variant Classification Scheme 2023. Collection method: clinical testing. Allele origin: germline.

Illumina Laboratory Services, Illumina
Classification: Benign for Perry syndrome. Last evaluated: 2018-01-12. Review status: criteria provided, single submitter. Criteria: ICSL Variant Classification Criteria 13 December 2019. Collection method: clinical testing. Allele origin: germline.
Comment: This variant was observed in the ICSL laboratory as part of a predisposition screen in an ostensibly healthy population. It had not been previously curated by ICSL or reported in the Human Gene Mutation Database (HGMD: prior to June 1st, 2018), and was therefore a candidate for classification through an automated scoring system. Utilizing variant allele frequency, disease prevalence and penetrance estimates, and inheritance mode, an automated score was calculated to assess if this variant is too frequent to cause the disease. Based on the score and internal cut-off values, a variant classified as benign is not then subjected to further curation. The score for this variant resulted in a classification of benign for this disease.

Illumina Laboratory Services, Illumina
Classification: Likely benign for Neuronopathy, distal hereditary motor, type 7B. Last evaluated: 2018-01-12. Review status: criteria provided, single submitter. Criteria: ICSL Variant Classification Criteria 13 December 2019. Collection method: clinical testing. Allele origin: germline.
Comment: This variant was observed in the ICSL laboratory as part of a predisposition screen in an ostensibly healthy population. It had not been previously curated by ICSL or reported in the Human Gene Mutation Database (HGMD: prior to June 1st, 2018), and was therefore a candidate for classification through an automated scoring system. Utilizing variant allele frequency, disease prevalence and penetrance estimates, and inheritance mode, an automated score was calculated to assess if this variant is too frequent to cause the disease. Based on the score and internal cut-off values, a variant classified as likely benign is not then subjected to further curation. The score for this variant resulted in a classification of likely benign for this disease.

NM_004082.5(DCTN1):c.2505G>A (p.Thr835=)

Gene: DCTN1 (dynactin subunit 1; minus strand). Cytogenetic location: 2p13.1.
Variant type: single nucleotide variant.
Coding change: c.2505G>A on transcript NM_004082.5 (MANE Select); coding-DNA position 2505, G replaced by A.
Protein change: p.Thr835=; no amino-acid change (threonine 835 retained).
Molecular consequence: synonymous variant. On other transcripts: non-coding transcript variant (1).
Genome position (GRCh38, 1-based): chr2:74,366,582, C>T on the plus strand (G>A on the coding strand, the complement: DCTN1 is on the minus strand). VCF-style: chr2-74366582-C-T. GRCh37 (hg19) VCF-style: chr2-74593709-C-T.
Other names: c.2445G>A, p.Thr815= (NM_001135040.3); c.2103G>A, p.Thr701= (NM_001135041.3, NM_023019.4); c.2394G>A, p.Thr798= (NM_001190836.2); c.2484G>A, p.Thr828= (NM_001190837.2); c.2454G>A, p.Thr818= (NM_001378991.1); c.2436G>A, p.Thr812= (NM_001378992.1).
Identifiers: ClinVar variation 337080 (VCV000337080.38), dbSNP rs767877041, ClinGen allele CA1721817.
Genomic context (GRCh38, chr2:74,366,582, plus strand): 5'-CAGTGGGGCAATGAGCTGGGCAGCAGCAGCTGCCACCTCCTGCAGCACAGCCACGACCCA[C>T]GTCAAGTGTTTCCTGCAGTCTAGGAGCGTGTCAGATACCTGTGTGCCAGGCCAGAGTCAG-3'
Protein context (NP_004073.2, residues 825-845): DTLLDCRKHL[Thr835=]WVVAVLQEVA